The following is an entry in ClinVar:

ClinVar aggregate classification (germline): Pathogenic/Likely pathogenic. Review status: criteria provided, multiple submitters, no conflicts (2 of 4 stars). 11 submissions from 10 submitters: Pathogenic (3); Likely pathogenic (5). 3 of the submissions do not count toward it. Last evaluated 2026-01-12.

Conditions:
ABCA4-related disorder. Also called: ABCA4-related condition; ABCA4-related disorders. Identifiers: MedGen CN239167.
Severe early-childhood-onset retinal dystrophy (STGD1). Also called: MACULAR DYSTROPHY WITH FLECKS, TYPE 1; STGD; Stargardt macular dystrophy; Juvenile onset macular degeneration; Stargardt disease 1. Identifiers: Orphanet 364055, Orphanet 827, MedGen C1855465, MeSH D000080362, MONDO:0009549, OMIM 248200.
Cone-rod dystrophy 3 (CORD3). Identifiers: Orphanet 1872, MedGen C1858806, MONDO:0011395, OMIM 604116.
Retinitis pigmentosa 19 (RP19). Also called: ABCA4-Related Retinitis Pigmentosa. Identifiers: Orphanet 791, MedGen C1866422, MONDO:0011137, OMIM 601718.
Retinal dystrophy. Also called: Inherited retinal dystrophy. Identifiers: Orphanet 71862, MedGen C0854723, MeSH D058499, MONDO:0019118, HP:0000556.
Age related macular degeneration 2. Also called: MACULAR DEGENERATION, SENILE; MACULOPATHY, AGE-RELATED, 2; MACULOPATHY, AGE-RELATED. Identifiers: MedGen C3495438, MONDO:0007932, OMIM 153800.
Stargardt disease 3. Also called: MACULAR DYSTROPHY WITH FLECKS, TYPE 3; STARGARDT-LIKE MACULAR DYSTROPHY, AUTOSOMAL DOMINANT. Identifiers: Orphanet 827, MedGen C1838644, MONDO:0010819, OMIM 600110.

Allele frequency attached by ClinVar (database versions not stated): ExAC 0.00001; gnomAD 0.00002; gnomAD exomes 0.00002; TOPMed 0.00003.
gnomAD v4.1: 7 of 1,614,120 alleles (0.00043%); highest among the groups gnomAD compares: African/African-American, 0.0027%; no homozygotes.

Submissions (11):

Variantyx, Inc.
Classification: Likely pathogenic for Severe early-childhood-onset retinal dystrophy. Last evaluated: 2026-01-12. Review status: criteria provided, single submitter. Criteria: Variantyx Assertion Criteria 2022. Collection method: clinical testing. Allele origin: germline. Inheritance: Autosomal recessive inheritance.
Comment: This is a nonsynonymous variant in the ABCA4 gene (OMIM: 601691). Pathogenic variants in this gene have been associated with autosomal recessive Stargardt disease 1. This variant has been identified in the homozygous or compound heterozygous state in at least 4 individuals reported in the published literature (PMID: 28559085, 37644014, 38309476, 39162841) (PM3). Alternate amino acid changes at this position (p.Ala60Glu, p.Ala60Thr) have been previously reported in similarly affected individuals, which suggests that this residue is biologically important (PMID: 10958763,¬†33301772)¬†(PM5). Multiple computational algorithms predict a deleterious effect for this variant (REVEL score: 0.934) (PP3). It has a 0.0027% maximum allele frequency in non-founder control populations (PM2). Based on the current evidence, this variant is classified as likely pathogenic for autosomal recessive Stargardt disease 1

Labcorp Genetics (formerly Invitae), Labcorp
Classification: Pathogenic. Last evaluated: 2025-11-15. Review status: criteria provided, single submitter. Criteria: Invitae Variant Classification Sherloc (09022015). Collection method: clinical testing. Allele origin: germline.
Comment: This sequence change replaces alanine, which is neutral and non-polar, with valine, which is neutral and non-polar, at codon 60 of the ABCA4 protein (p.Ala60Val). This variant is present in population databases (rs55732384, gnomAD 0.007%). This missense change has been observed in individual(s) with Stargardt disease (PMID: 28118664, 28559085). In at least one individual the data is consistent with being in trans (on the opposite chromosome) from a pathogenic variant. ClinVar contains an entry for this variant (Variation ID: 99083). Invitae Evidence Modeling of protein sequence and biophysical properties (such as structural, functional, and spatial information, amino acid conservation, physicochemical variation, residue mobility, and thermodynamic stability) indicates that this missense variant is expected to disrupt ABCA4 protein function with a positive predictive value of 95%. For these reasons, this variant has been classified as Pathogenic.

First Genomix Gene Laboratory, Genetic Diagnostics Department
Classification: Likely pathogenic for Cone-rod dystrophy 3; Severe early-childhood-onset retinal dystrophy; Retinitis pigmentosa 19. Last evaluated: 2025-03-27. Review status: criteria provided, single submitter. Criteria: ACMG Guidelines, 2015. Collection method: clinical testing. Allele origin: germline. Inheritance: Autosomal recessive inheritance. Affected: no. Observed: 1 variant allele.

Blueprint Genetics
Classification: Pathogenic for ABCA4-related disorders. Last evaluated: 2023-09-11. Review status: criteria provided, single submitter. Criteria: ACMG Guidelines, 2015. Collection method: clinical testing. Allele origin: germline. Affected: yes. Observed: 5 variant alleles.

CeGaT Center for Human Genetics Tuebingen
Classification: Likely pathogenic. Last evaluated: 2023-08-01. Review status: criteria provided, single submitter. Criteria: CeGaT Center For Human Genetics Tuebingen Variant Classification Criteria Version 2. Collection method: clinical testing. Allele origin: germline. Affected: yes. Observed: 1 variant allele.
Comment: ABCA4: PM1, PM2, PM3, PM5

Institute of Human Genetics, Univ. Regensburg, Univ. Regensburg
Classification: Likely pathogenic for Retinal dystrophy. Last evaluated: 2023-01-01. Review status: criteria provided, single submitter. Criteria: ACMG Guidelines, 2015. Collection method: clinical testing. Allele origin: germline. Affected: yes.

Fulgent Genetics
Classification: Pathogenic for Age related macular degeneration 2; Severe early-childhood-onset retinal dystrophy; Retinitis pigmentosa 19; Cone-rod dystrophy 3. Last evaluated: 2018-10-31. Review status: criteria provided, single submitter. Criteria: ACMG Guidelines, 2015. Collection method: clinical testing. Allele origin: unknown.

Institute of Human Genetics, Univ. Regensburg, Univ. Regensburg
Classification: Likely pathogenic for Severe early-childhood-onset retinal dystrophy. Last evaluated: 2016-01-01. Review status: criteria provided, single submitter. Criteria: Schulz et al. (Invest Ophthalmol Vis Sci. 2017). Collection method: clinical testing, in vitro. Allele origin: germline, unknown. Affected: yes. Observed: 4 heterozygotes. Functional consequence: sequence_variant_affecting_splicing.

Ophthalmo-Genetics Lab, Instituto de Oftalmologia Conde de Valenciana
Classification: Pathogenic for Stargardt disease 3. Review status: no assertion criteria provided. Collection method: research. Allele origin: germline. Inheritance: Autosomal recessive inheritance. Not counted in ClinVar's aggregate classification.

Retina International
No classification provided. Review status: no classification provided. Collection method: not provided. Allele origin: not provided. Not counted in ClinVar's aggregate classification.

Genomic Medicine Center of Excellence, King Faisal Specialist Hospital and Research Centre
Classification: Uncertain significance for Severe early-childhood-onset retinal dystrophy. Last evaluated: 2024-03-14. Review status: flagged submission. Criteria: ACMG Guidelines, 2015. Collection method: research. Allele origin: germline. Not counted in ClinVar's aggregate classification.
ClinVar note: Reason: Outlier claim with insufficient supporting evidence

Literature cited by the submitters: PubMed 28559085 (cited by 3 submitters); PubMed 37644014 (cited by Variantyx, Inc.); PubMed 38309476 (cited by Variantyx, Inc.); PubMed 39162841 (cited by Variantyx, Inc.); PubMed 28118664 (cited by 3 submitters); PubMed 9973280 (cited by Institute of Human Genetics, Univ. Regensburg, Univ. Regensburg); PubMed 28327576 (cited by Institute of Human Genetics, Univ. Regensburg, Univ. Regensburg); PubMed 31964843 (cited by Institute of Human Genetics, Univ. Regensburg, Univ. Regensburg); PubMed 36460718 (cited by Institute of Human Genetics, Univ. Regensburg, Univ. Regensburg); PubMed 35657619 (cited by Institute of Human Genetics, Univ. Regensburg, Univ. Regensburg).

NM_000350.3(ABCA4):c.179C>T (p.Ala60Val)

Gene: ABCA4 (ATP binding cassette subfamily A member 4; minus strand). Cytogenetic location: 1p22.1.
Variant type: single nucleotide variant.
Coding change: c.179C>T on transcript NM_000350.3 (MANE Select); coding-DNA position 179, C replaced by T.
Protein change: p.Ala60Val; replaces alanine 60 with valine.
Molecular consequence: missense variant.
Genome position (GRCh38, 1-based): chr1:94,111,561, G>A on the plus strand (C>T on the coding strand, the complement: ABCA4 is on the minus strand). VCF-style: chr1-94111561-G-A. GRCh37 (hg19) VCF-style: chr1-94577117-G-A.
Other names: c.179C>T, p.Ala60Val (NM_001425324.1); short protein forms A60V.
Identifiers: ClinVar variation 99083 (VCV000099083.42), dbSNP rs55732384, ClinGen allele CA226931.